The following is an entry in ClinVar:

NM_001128178.3(NPHP1):c.475G>A (p.Ala159Thr)

Gene: NPHP1 (nephrocystin 1; minus strand). Cytogenetic location: 2q13.
Variant type: single nucleotide variant.
Coding change: c.475G>A on transcript NM_001128178.3 (MANE Select); coding-DNA position 475, G replaced by A.
Protein change: p.Ala159Thr; replaces alanine 159 with threonine.
Molecular consequence: missense variant.
Genome position (GRCh38, 1-based): chr2:110,169,853, C>T on the plus strand (G>A on the coding strand, the complement: NPHP1 is on the minus strand). VCF-style: chr2-110169853-C-T. GRCh37 (hg19) VCF-style: chr2-110927430-C-T.
Other names: c.475G>A, p.Ala159Thr (NM_000272.5, NM_001374256.1, NM_001374257.1 and 1 more transcripts); c.289G>A, p.Ala97Thr (NM_001128179.3); short protein forms A97T, A159T.
Identifiers: ClinVar variation 940636 (VCV000940636.8), dbSNP rs372855293, ClinGen allele CA53518934.
Genomic context (GRCh38, chr2:110,169,853, plus strand): 5'-TTATTCTACCTACCTTAAATGTAAGATCTCCAACTTGCTGAGCAGTAAAATCTCCAACAG[C>T]GATGTATTCTTCACCGGTTGACCATTTGTGAGATTCATTTTCCTCTTTCTCTTCCTCTTC-3'
Protein context (NP_001121650.1, residues 149-169): HKWSTGEEYI[Ala159Thr]VGDFTAQQVG

ClinVar aggregate classification (germline): Uncertain significance. Review status: criteria provided, single submitter (1 of 4 stars). 2 submissions from 2 submitters: Uncertain significance (1). 1 of the submissions does not count toward it. Last evaluated 2025-11-24.

Conditions:
NPHP1-related disorder. Also called: NPHP1-related disorders; NPHP1-related condition.
Nephronophthisis. Also called: Juvenile Nephronophthisis. Identifiers: Orphanet 655, MedGen C0687120, MONDO:0019005, HP:0000090.

Allele frequency attached by ClinVar (database versions not stated): TOPMed 0.00001; gnomAD exomes 0.00002.
gnomAD v4.1: 21 of 1,613,596 alleles (0.0013%); highest among the groups gnomAD compares: Middle Eastern, 0.033%; no homozygotes.

Submissions (2):

Labcorp Genetics (formerly Invitae), Labcorp
Classification: Uncertain significance for Nephronophthisis. Last evaluated: 2025-11-24. Review status: criteria provided, single submitter. Criteria: Invitae Variant Classification Sherloc (09022015). Collection method: clinical testing. Allele origin: germline.
Comment: This sequence change replaces alanine, which is neutral and non-polar, with threonine, which is neutral and polar, at codon 159 of the NPHP1 protein (p.Ala159Thr). This variant is present in population databases (rs372855293, gnomAD 0.01%). This variant has not been reported in the literature in individuals affected with NPHP1-related conditions. ClinVar contains an entry for this variant (Variation ID: 940636). Invitae Evidence Modeling of protein sequence and biophysical properties (such as structural, functional, and spatial information, amino acid conservation, physicochemical variation, residue mobility, and thermodynamic stability) indicates that this missense variant is not expected to disrupt NPHP1 protein function with a negative predictive value of 80%. In summary, the available evidence is currently insufficient to determine the role of this variant in disease. Therefore, it has been classified as a Variant of Uncertain Significance.

PreventionGenetics, part of Exact Sciences
Classification: Uncertain significance for NPHP1-related condition. Last evaluated: 2024-08-05. Review status: no assertion criteria provided. Collection method: clinical testing. Allele origin: germline. Not counted in ClinVar's aggregate classification.
Comment: The NPHP1 c.475G>A variant is predicted to result in the amino acid substitution p.Ala159Thr. To our knowledge, this variant has not been reported in the literature in individuals with NPHP1-related disorders. This variant is reported in 0.0098% of alleles in individuals of South Asian descent in gnomAD. At this time, the clinical significance of this variant is uncertain due to the absence of conclusive functional and genetic evidence.